The following is an entry in ClinVar:

ClinVar aggregate classification (germline): Pathogenic. Review status: criteria provided, multiple submitters, no conflicts (2 of 4 stars). 2 submissions from 2 submitters: Pathogenic (2). Last evaluated 2023-08-27.

Conditions:
Xanthinuria type II. Also called: Xanthine dehydrogenase and aldehyde oxidase combined deficiency of; XDH and AOX dual deficiency. Identifiers: Orphanet 3467, Orphanet 93602, MedGen C1863688, MONDO:0011346, OMIM 603592.

Allele frequency attached by ClinVar (database versions not stated): gnomAD 0.00001; gnomAD exomes 0.00001 and 0.00002; TOPMed 0.00001; ExAC 0.00002.
gnomAD v4.1: 17 of 1,614,096 alleles (0.0011%); highest among the groups gnomAD compares: East Asian, 0.0089%; no homozygotes.

Submissions (2):

Labcorp Genetics (formerly Invitae), Labcorp
Classification: Pathogenic for Xanthinuria type II. Last evaluated: 2023-08-27. Review status: criteria provided, single submitter. Criteria: Invitae Variant Classification Sherloc (09022015). Collection method: clinical testing. Allele origin: germline.
Comment: This sequence change creates a premature translational stop signal (p.Arg1283*) in the XDH gene. It is expected to result in an absent or disrupted protein product. Loss-of-function variants in XDH are known to be pathogenic (PMID: 9153281). The frequency data for this variant in the population databases is considered unreliable, as metrics indicate poor data quality at this position in the gnomAD database. This premature translational stop signal has been observed in individual(s) with xanthinuria type Ι (PMID: 26110747). ClinVar contains an entry for this variant (Variation ID: 335758). For these reasons, this variant has been classified as Pathogenic.

GeneDx
Classification: Pathogenic. Last evaluated: 2022-05-26. Review status: criteria provided, single submitter. Criteria: GeneDx Variant Classification Process June 2021. Collection method: clinical testing. Allele origin: germline. Affected: yes.
Comment: Nonsense variant predicted to result in protein truncation or nonsense mediated decay in a gene for which loss of function is a known mechanism of disease; This variant is associated with the following publications: (PMID: 26110747)

Literature cited by the submitters: PubMed 9153281 (cited by Labcorp Genetics (formerly Invitae), Labcorp); PubMed 26110747 (cited by Labcorp Genetics (formerly Invitae), Labcorp).

NM_000379.4(XDH):c.3847C>T (p.Arg1283Ter)

Gene: XDH (xanthine dehydrogenase; minus strand). Cytogenetic location: 2p23.1.
Variant type: single nucleotide variant.
Coding change: c.3847C>T on transcript NM_000379.4 (MANE Select); coding-DNA position 3847, C replaced by T.
Protein change: p.Arg1283Ter; replaces arginine 1283 with a stop codon.
Molecular consequence: nonsense.
Genome position (GRCh38, 1-based): chr2:31,337,745, G>A on the plus strand (C>T on the coding strand, the complement: XDH is on the minus strand). VCF-style: chr2-31337745-G-A. GRCh37 (hg19) VCF-style: chr2-31560611-G-A.
Other names: short protein forms R1283*.
Identifiers: ClinVar variation 335758 (VCV000335758.13), dbSNP rs751921838, ClinGen allele CA1598242.
Genomic context (GRCh38, chr2:31,337,745, plus strand): 5'-GGGTGGCAGGGCTGTCTAGCCGGAAGAGTTCCTTCACGTTATTACCTGTGTGCTGAGCTC[G>A]AGCTGCACGGATGGCATCTTTGATGGCAAAGAAGATAGAAGCAGCCAGGAAGAGGGGCGG-3'